The following is an entry in ClinVar:

ClinVar aggregate classification (germline): Uncertain significance (1 of 4 stars; one submission).

Conditions:
Inborn genetic diseases. Identifiers: MedGen C0950123, MeSH D030342.

Submission:

Ambry Genetics
Classification: Uncertain significance for Inborn genetic diseases. Last evaluated: 2024-12-31. Review status: criteria provided, single submitter. Criteria: Ambry Variant Classification Scheme 2023. Collection method: clinical testing. Allele origin: germline.
Comment: The p.P134H variant (also known as c.401C>A), located in coding exon 4 of the FANCA gene, results from a C to A substitution at nucleotide position 401. The proline at codon 134 is replaced by histidine, an amino acid with similar properties. This amino acid position is conserved. In addition, this alteration is predicted to be tolerated by in silico analysis. Based on the available evidence, the clinical significance of this variant remains unclear.

NM_000135.4(FANCA):c.401C>A (p.Pro134His)

Gene: FANCA (FA complementation group A; minus strand). Cytogenetic location: 16q24.3.
Variant type: single nucleotide variant.
Coding change: c.401C>A on transcript NM_000135.4 (MANE Select); coding-DNA position 401, C replaced by A.
Protein change: p.Pro134His; replaces proline 134 with histidine.
Molecular consequence: missense variant.
Genome position (GRCh38, 1-based): chr16:89,810,954, G>T on the plus strand (C>A on the coding strand, the complement: FANCA is on the minus strand). VCF-style: chr16-89810954-G-T. GRCh37 (hg19) VCF-style: chr16-89877362-G-T.
Other names: c.401C>A, p.Pro134His (NM_001018112.3, NM_001286167.3, NM_001351830.2); short protein forms P134H.
Identifiers: ClinVar variation 3848069 (VCV003848069.1).